The following is an entry in ClinVar:

ClinVar aggregate classification (germline): Uncertain significance (1 of 4 stars; one submission).

Conditions:
Succinate-semialdehyde dehydrogenase deficiency (SSADHD). Also called: Succinic Semialdehyde Dehydrogenase Deficiency; 4-HYDROXYBUTYRIC ACIDURIA; GABA METABOLIC DEFECT; SSADH DEFICIENCY. Identifiers: Orphanet 22, MedGen C0268631, MONDO:0010083, OMIM 271980.

Allele frequency attached by ClinVar (database versions not stated): TOPMed below 0.00001; gnomAD exomes 0.00001.
gnomAD v4.1: 9 of 1,574,914 alleles (0.00057%); highest among the groups gnomAD compares: South Asian, 0.0066%; no homozygotes.

Submission:

Labcorp Genetics (formerly Invitae), Labcorp
Classification: Uncertain significance for Succinate-semialdehyde dehydrogenase deficiency. Last evaluated: 2022-07-19. Review status: criteria provided, single submitter. Criteria: Invitae Variant Classification Sherloc (09022015). Collection method: clinical testing. Allele origin: germline.
Comment: This sequence change replaces valine, which is neutral and non-polar, with isoleucine, which is neutral and non-polar, at codon 389 of the ALDH5A1 protein (p.Val389Ile). This variant is present in population databases (no rsID available, gnomAD 0.0009%). This variant has not been reported in the literature in individuals affected with ALDH5A1-related conditions. Advanced modeling of protein sequence and biophysical properties (such as structural, functional, and spatial information, amino acid conservation, physicochemical variation, residue mobility, and thermodynamic stability) performed at Invitae indicates that this missense variant is not expected to disrupt ALDH5A1 protein function. In summary, the available evidence is currently insufficient to determine the role of this variant in disease. Therefore, it has been classified as a Variant of Uncertain Significance.

NM_001080.3(ALDH5A1):c.1165G>A (p.Val389Ile)

Gene: ALDH5A1 (aldehyde dehydrogenase 5 family member A1; plus strand). Cytogenetic location: 6p22.3.
Variant type: single nucleotide variant.
Coding change: c.1165G>A on transcript NM_001080.3 (MANE Select); coding-DNA position 1165, G replaced by A.
Protein change: p.Val389Ile; replaces valine 389 with isoleucine.
Molecular consequence: missense variant.
Genome position (GRCh38, 1-based): chr6:24,522,917, G>A. VCF-style: chr6-24522917-G-A. GRCh37 (hg19) VCF-style: chr6-24523145-G-A.
Other names: c.1021G>A, p.Val341Ile (NM_001368954.1); c.1204G>A, p.Val402Ile (NM_170740.1); short protein forms V341I, V389I, V402I.
Identifiers: ClinVar variation 2095362 (VCV002095362.1), dbSNP rs1193554177, ClinGen allele CA362976654.